The following is an entry in ClinVar:

ClinVar aggregate classification (germline): Conflicting classifications of pathogenicity. Review status: criteria provided, conflicting classifications (1 of 4 stars). 4 submissions from 4 submitters: Uncertain significance (2); Likely benign (1). 1 of the submissions does not count toward it. Last evaluated 2025-09-27.

Conditions:
Early-infantile DEE. Also called: Early infantile epileptic encephalopathy with suppression bursts; Ohtahara syndrome; Early infantile epileptic encephalopathy. Identifiers: Orphanet 1934, MedGen C0393706, MONDO:0800491.
Inborn genetic diseases. Identifiers: MedGen C0950123, MeSH D030342.
Seizures, benign familial neonatal, 1. Also called: Benign Neonatal Epilepsy 1; KCNQ2-Related Benign Familial Neonatal Epilepsy; KCNQ2-Related Self-Limited Familial Neonatal Epilepsy (SLFNE); Seizures, benign neonatal, 1. Identifiers: Orphanet 1949, MedGen C3149074, MONDO:0007365, OMIM 121200.

Allele frequency attached by ClinVar (database versions not stated): TOPMed 0.00002; gnomAD 0.00001; gnomAD exomes 0.00001.
gnomAD v4.1: 10 of 1,606,940 alleles (0.00062%); highest among the groups gnomAD compares: Non-Finnish European, 0.00076%; no homozygotes.

Submissions (4):

Ambry Genetics
Classification: Uncertain significance for Inborn genetic diseases. Last evaluated: 2025-09-27. Review status: criteria provided, single submitter. Criteria: Ambry Variant Classification Scheme 2023. Collection method: clinical testing. Allele origin: germline.
Comment: The c.2564C>T (p.S855L) alteration is located in exon 17 (coding exon 17) of the KCNQ2 gene. This alteration results from a C to T substitution at nucleotide position 2564, causing the serine (S) at amino acid position 855 to be replaced by a leucine (L). Based on data from gnomAD, the T allele has an overall frequency of <0.001% (1/263516) total alleles studied. The highest observed frequency was 0.001% (1/118746) of European (non-Finnish) alleles. Based on insufficient or conflicting evidence, the clinical significance of this alteration remains unclear.

Labcorp Genetics (formerly Invitae), Labcorp
Classification: Uncertain significance for Early-infantile DEE. Last evaluated: 2023-12-09. Review status: criteria provided, single submitter. Criteria: Invitae Variant Classification Sherloc (09022015). Collection method: clinical testing. Allele origin: germline.
Comment: This sequence change replaces serine, which is neutral and polar, with leucine, which is neutral and non-polar, at codon 855 of the KCNQ2 protein (p.Ser855Leu). This variant is present in population databases (rs12481082, gnomAD 0.0009%). This variant has not been reported in the literature in individuals affected with KCNQ2-related conditions. ClinVar contains an entry for this variant (Variation ID: 21780). An algorithm developed to predict the effect of missense changes on protein structure and function (PolyPhen-2) suggests that this variant is likely to be disruptive. In summary, the available evidence is currently insufficient to determine the role of this variant in disease. Therefore, it has been classified as a Variant of Uncertain Significance.

GeneDx
Classification: Likely benign. Last evaluated: 2020-12-18. Review status: criteria provided, single submitter. Criteria: GeneDx Variant Classification Process June 2021. Collection method: clinical testing. Allele origin: germline. Affected: yes.
Comment: The majority of missense variants in this gene are considered pathogenic (Stenson et al., 2014); In silico analysis, which includes protein predictors and evolutionary conservation, supports that this variant does not alter protein structure/function; Predicted to be within the C-terminal cytoplasmic domain; Has not been previously published as pathogenic or benign to our knowledge

GeneReviews
No classification provided. Condition: Seizures, benign familial neonatal, 1. Review status: no classification provided. Collection method: literature only. Allele origin: unknown. Not counted in ClinVar's aggregate classification.

Literature cited by the submitters: PubMed 20437616 (cited by GeneReviews); NCBI Bookshelf NBK32534 (cited by GeneReviews).

NM_172107.4(KCNQ2):c.2564C>T (p.Ser855Leu)

Gene: KCNQ2 (potassium voltage-gated channel subfamily Q member 2; minus strand). Cytogenetic location: 20q13.33.
Variant type: single nucleotide variant.
Coding change: c.2564C>T on transcript NM_172107.4 (MANE Select); coding-DNA position 2564, C replaced by T.
Protein change: p.Ser855Leu; replaces serine 855 with leucine.
Molecular consequence: missense variant.
Genome position (GRCh38, 1-based): chr20:63,406,699, G>A on the plus strand (C>T on the coding strand, the complement: KCNQ2 is on the minus strand). VCF-style: chr20-63406699-G-A. GRCh37 (hg19) VCF-style: chr20-62038052-G-A.
Other names: c.2480C>T, p.Ser827Leu (NM_004518.6); c.2510C>T, p.Ser837Leu (NM_172106.3); c.2471C>T, p.Ser824Leu (NM_172108.5); short protein forms S855L, S827L, S824L, S837L.
Identifiers: ClinVar variation 21780 (VCV000021780.16), dbSNP rs12481082, ClinGen allele CA342492.